The following is an entry in ClinVar:

NM_001042492.3(NF1):c.4333-2A>C

Gene: NF1 (neurofibromin 1; plus strand). Cytogenetic location: 17q11.2.
Variant type: single nucleotide variant.
Coding change: c.4333-2A>C on transcript NM_001042492.3 (MANE Select); the canonical splice acceptor site of the intron before coding-DNA position 4333, A replaced by C.
Molecular consequence: splice acceptor variant.
Genome position (GRCh38, 1-based): chr17:31,259,030, A>C. VCF-style: chr17-31259030-A-C. GRCh37 (hg19) VCF-style: chr17-29586048-A-C.
Other names: c.4270-2A>C (NM_000267.4).
Identifiers: ClinVar variation 663523 (VCV000663523.6), dbSNP rs1555618634, ClinGen allele CA398998667.

ClinVar aggregate classification (germline): Pathogenic (1 of 4 stars; one submission).

Conditions:
Neurofibromatosis, type 1 (NF1). Also called: VON RECKLINGHAUSEN DISEASE; NEUROFIBROMATOSIS, TYPE I, SOMATIC; Peripheral type neurofibromatosis; Neurofibromatosis, type I. Identifiers: Orphanet 636, MedGen C0027831, MONDO:0018975, OMIM 162200. Disease mechanism: loss of function.

Submission:

Labcorp Genetics (formerly Invitae), Labcorp
Classification: Pathogenic for Neurofibromatosis, type 1. Last evaluated: 2023-09-18. Review status: criteria provided, single submitter. Criteria: Invitae Variant Classification Sherloc (09022015). Collection method: clinical testing. Allele origin: germline.
Comment: This sequence change affects an acceptor splice site in intron 31 of the NF1 gene. RNA analysis indicates that disruption of this splice site induces altered splicing and likely results in the loss of 3 amino acid residue(s), but is expected to preserve the integrity of the reading-frame. For these reasons, this variant has been classified as Pathogenic. This variant disrupts a region of the NF1 protein in which other variant(s) (p.Leu1425Pro) have been determined to be pathogenic (PMID: 10607834, 10712197, 31730495). This suggests that this is a clinically significant region of the protein, and that variants that disrupt it are likely to be disease-causing. Studies have shown that disruption of this splice site results in the activation of a cryptic splice site in exon 32 (PMID: 23913538). ClinVar contains an entry for this variant (Variation ID: 663523). Disruption of this splice site has been observed in individuals with neurofibromatosis type 1 (PMID: 18800150, 23913538). This variant is not present in population databases (gnomAD no frequency).

Literature cited by the submitters: PubMed 10607834; PubMed 10712197; PubMed 31730495; PubMed 23913538; PubMed 18800150.